The following is an entry in ClinVar:

ClinVar aggregate classification (germline): Pathogenic. Review status: criteria provided, multiple submitters, no conflicts (2 of 4 stars). 5 submissions from 5 submitters: Pathogenic (4). 1 of the submissions does not count toward it. Last evaluated 2025-12-24.

Conditions:
Chuvash polycythemia. Also called: POLYCYTHEMIA, VHL-DEPENDENT. Identifiers: Orphanet 238557, MedGen C1837915, MONDO:0009892, OMIM 263400.
Von Hippel-Lindau syndrome (VHLS). Also called: VHL syndrome; Von Hippel-Lindau; von Hippel–Lindau syndrome. Identifiers: Orphanet 892, MedGen C0019562, MONDO:0008667, OMIM 193300. Disease mechanism: loss of function.
Hereditary cancer-predisposing syndrome. Also called: Neoplastic Syndromes, Hereditary; Hereditary Cancer Syndrome; Tumor predisposition; Hereditary neoplastic syndrome. Identifiers: Orphanet 140162, MedGen C0027672, MeSH D009386, MONDO:0015356.

Submissions (5):

Labcorp Genetics (formerly Invitae), Labcorp
Classification: Pathogenic for Von Hippel-Lindau syndrome; Chuvash polycythemia. Last evaluated: 2025-12-24. Review status: criteria provided, single submitter. Criteria: Invitae Variant Classification Sherloc (09022015). Collection method: clinical testing. Allele origin: germline.
Comment: This sequence change replaces glutamine, which is neutral and polar, with arginine, which is basic and polar, at codon 164 of the VHL protein (p.Gln164Arg). This variant is not present in population databases (gnomAD no frequency). This missense change has been observed in individual(s) with von Hippel-Lindau disease (PMID: 7728151, 17024664, 20583150). In at least one individual the variant was observed to be de novo. ClinVar contains an entry for this variant (Variation ID: 2238). Invitae Evidence Modeling of protein sequence and biophysical properties (such as structural, functional, and spatial information, amino acid conservation, physicochemical variation, residue mobility, and thermodynamic stability) indicates that this missense variant is expected to disrupt VHL protein function with a positive predictive value of 95%. This variant disrupts the p.Gln164 amino acid residue in VHL. Other variant(s) that disrupt this residue have been determined to be pathogenic (PMID: 12807974, 19215943, 22517557, 24102379; internal data). This suggests that this residue is clinically significant, and that variants that disrupt this residue are likely to be disease-causing. For these reasons, this variant has been classified as Pathogenic.

Ambry Genetics
Classification: Pathogenic for Hereditary cancer-predisposing syndrome. Last evaluated: 2024-12-02. Review status: criteria provided, single submitter. Criteria: Ambry Variant Classification Scheme 2023. Collection method: clinical testing. Allele origin: germline.
Comment: The p.Q164R (also known as c.491A>G) pathogenic mutation, located in coding exon 3 of the VHL gene, results from an A to G substitution at nucleotide position 491. The glutamine at codon 164 is replaced by arginine, an amino acid with highly similar properties. This variant has been reported in individuals with clinical diagnoses of von Hippel-Lindau syndrome (VHL), or VHL related tumors (Chen F et al. Hum. Mutat. 1995;5:66-75; Webster AR et al. Arch. Ophthalmol. 1999 Mar;117:371-8; Ong KR et al. Hum. Mutat. 2007 Feb;28:143-9; Sovinz P et al. Am. J. Med. Genet. A. 2010 Jul;152A:1752-5; de Cubas AA et al. Endocr. Relat. Cancer. 2013 Aug;20:477-93; Fallon SC et al. J. Pediatr. Surg. 2013 Jun;48:1422-5; Krauss T et al. Endocr. Relat. Cancer. 2018 Sep;25:783-793). It was found to be de novo in the patient's father, who also had pheochromocytoma, retinal angioma, and an adrenal adenoma (Sovinz P et al. Am. J. Med. Genet. A. 2010 Jul;152A:1752-5). In vitro functional studies do not show specific impaired functions, including elongin C binding, however, one study showed a shorter protein half-life than wild type leading the authors to speculate that the protein may be unstable (Ohh M et al. J. Clin. Invest. 1999 Dec;104:1583-91; Maynard MA et al. J. Biol. Chem. 2003 Mar;278:11032-40; Park KS et al. BMC Cancer. 2015 Oct;15:800). Another alteration at the same codon, p.Q164H (c.492G>C) , has been reported in a family diagnosed with PGLs and PCCs (Bauters C et al. J. Med. Genet. 2003 Jun;40:e75), and internal structural analysis indicated the alteration disrupts the fold of the elongin binding domain of VHL (Ambry internal data; Van Molle I et al. Chem. Biol. 2012 Oct;19:1300-12). This variant is considered to be rare based on population cohorts in the Genome Aggregation Database (gnomAD). Based on the supporting evidence, this alteration is interpreted as a disease-causing mutation.

Women's Health and Genetics/Laboratory Corporation of America, LabCorp
Classification: Pathogenic for Von Hippel-Lindau syndrome. Last evaluated: 2021-01-19. Review status: criteria provided, single submitter. Criteria: LabCorp Variant Classification Summary - May 2015. Collection method: clinical testing. Allele origin: germline.
Comment: Variant summary: VHL c.491A>G (p.Gln164Arg) results in a conservative amino acid change located in the alpha domain, which is known to interact with Elongin C (IPR024048). Three of five in-silico tools predict a damaging effect of the variant on protein function. The variant was absent in 251444 control chromosomes (gnomAD). c.491A>G has been reported in the literature in multiple patients/families affected with Von Hippel-Lindau Syndrome (VHL) or with VHL-related tumors, including at least one individual with de novo occurrence (e.g. Chen_1995, Zbar_1996, Webster_1999, Mattocks_2000, Ong_2007, Sovinz_2010, de Cubas_2013, Neumann_2019). These data indicate that the variant is very likely to be associated with disease. Publications also reported experimental evidence evaluating an impact on protein function, and demonstrated that while this variant didn't affect elongin B and C binding in an in vitro peptide-binding assay, the Q164R mutant full-length protein had reduced binding ability to elongin B and Cul2 in transiently transfected renal carcinoma cells (Ohh_1999). In addition, another study also reported that though the variant protein had retained elongin C binding, the variant significantly reduced the intracellular stability of VHL protein (Park_2015). Three other clinical diagnostic laboratories have submitted clinical-significance assessments for this variant to ClinVar after 2014 without evidence for independent evaluation, and all of them classified the variant as pathogenic. Based on the evidence outlined above, the variant was classified as pathogenic.

Genomic Diagnostic Laboratory, Division of Genomic Diagnostics, Children's Hospital of Philadelphia
Classification: Pathogenic for von Hippel-Lindau syndrome. Last evaluated: 2018-08-01. Review status: criteria provided, single submitter. Criteria: DGD Variant Analysis Guidelines. Collection method: clinical testing. Allele origin: germline. Affected: yes. Observed: 3 variant alleles.

OMIM
Classification: Pathogenic for VON HIPPEL-LINDAU SYNDROME. Last evaluated: 2010-07-01. Review status: no assertion criteria provided. Collection method: literature only. Allele origin: germline. Not counted in ClinVar's aggregate classification.

Literature cited by the submitters: PubMed 7728151 (cited by 3 submitters); PubMed 17024664 (cited by 4 submitters); PubMed 20583150 (cited by 4 submitters); PubMed 12807974 (cited by Labcorp Genetics (formerly Invitae), Labcorp); PubMed 19215943 (cited by Labcorp Genetics (formerly Invitae), Labcorp); PubMed 22517557 (cited by Labcorp Genetics (formerly Invitae), Labcorp); PubMed 24102379 (cited by Labcorp Genetics (formerly Invitae), Labcorp); PubMed 10088816 (cited by Ambry Genetics and Women's Health and Genetics/Laboratory Corporation of America, LabCorp); PubMed 10587522 (cited by Ambry Genetics and Women's Health and Genetics/Laboratory Corporation of America, LabCorp); PubMed 12538644 (cited by Ambry Genetics and Women's Health and Genetics/Laboratory Corporation of America, LabCorp); PubMed 23660872 (cited by Ambry Genetics and Women's Health and Genetics/Laboratory Corporation of America, LabCorp); PubMed 23845641 (cited by Ambry Genetics); PubMed 26503325 (cited by Ambry Genetics and Women's Health and Genetics/Laboratory Corporation of America, LabCorp); PubMed 29748190 (cited by Ambry Genetics); PubMed 31528828 (cited by Ambry Genetics); PubMed 8825918 (cited by Women's Health and Genetics/Laboratory Corporation of America, LabCorp); PubMed 8956040 (cited by Women's Health and Genetics/Laboratory Corporation of America, LabCorp); PubMed 11058902 (cited by Women's Health and Genetics/Laboratory Corporation of America, LabCorp); PubMed 19408298 (cited by Women's Health and Genetics/Laboratory Corporation of America, LabCorp); PubMed 31397861 (cited by Women's Health and Genetics/Laboratory Corporation of America, LabCorp).

NM_000551.4(VHL):c.491A>G (p.Gln164Arg)

Genes: VHL (von Hippel-Lindau tumor suppressor; plus strand), LOC107303340 (3p25 von Hippel-Lindau tumor suppressor, E3 ubiquitin protein ligase Alu-mediated recombination region; plus strand). Cytogenetic location: 3p25.3.
Variant type: single nucleotide variant.
Coding change: c.491A>G on transcript NM_000551.4 (MANE Select); coding-DNA position 491, A replaced by G.
Protein change: p.Gln164Arg; replaces glutamine 164 with arginine.
Molecular consequence: missense variant. On other transcripts: 3 prime UTR variant (1).
Genome position (GRCh38, 1-based): chr3:10,149,814, A>G. VCF-style: chr3-10149814-A-G. GRCh37 (hg19) VCF-style: chr3-10191498-A-G.
Other names: c.*45A>G (NM_001354723.2); c.368A>G, p.Gln123Arg (NM_198156.3); short protein forms Q164R, Q123R.
Identifiers: ClinVar variation 2238 (VCV000002238.19), dbSNP rs267607170, ClinGen allele CA020429.